The following is an entry in ClinVar:

ClinVar aggregate classification (germline): Uncertain significance (1 of 4 stars; one submission).

gnomAD v4.1: 2 of 1,606,032 alleles (0.00012%); highest among the groups gnomAD compares: South Asian, 0.0011%; no homozygotes.

Submission:

Labcorp Genetics (formerly Invitae), Labcorp
Classification: Uncertain significance. Last evaluated: 2023-07-20. Review status: criteria provided, single submitter. Criteria: Invitae Variant Classification Sherloc (09022015). Collection method: clinical testing. Allele origin: germline.
Comment: This variant has not been reported in the literature in individuals affected with MAST1-related conditions. In summary, the available evidence is currently insufficient to determine the role of this variant in disease. Therefore, it has been classified as a Variant of Uncertain Significance. An algorithm developed to predict the effect of missense changes on protein structure and function (PolyPhen-2) suggests that this variant is likely to be disruptive. This variant is not present in population databases (gnomAD no frequency). This sequence change replaces serine, which is neutral and polar, with phenylalanine, which is neutral and non-polar, at codon 4 of the MAST1 protein (p.Ser4Phe).

NM_014975.3(MAST1):c.11C>T (p.Ser4Phe)

Genes: MAST1 (microtubule associated serine/threonine kinase 1; plus strand), LOC130063671 (ATAC-STARR-seq lymphoblastoid silent region 10178; plus strand). Cytogenetic location: 19p13.13.
Variant type: single nucleotide variant.
Coding change: c.11C>T on transcript NM_014975.3 (MANE Select); coding-DNA position 11, C replaced by T.
Protein change: p.Ser4Phe; replaces serine 4 with phenylalanine.
Molecular consequence: missense variant.
Genome position (GRCh38, 1-based): chr19:12,838,583, C>T. VCF-style: chr19-12838583-C-T. GRCh37 (hg19) VCF-style: chr19-12949397-C-T.
Other names: short protein forms S4F.
Identifiers: ClinVar variation 2808337 (VCV002808337.3), dbSNP rs765116385, ClinGen allele CA404252707.